The following is an entry in ClinVar:

NM_006908.5(RAC1):c.374C>A (p.Thr125Lys)

Gene: RAC1 (Rac family small GTPase 1; plus strand). Cytogenetic location: 7p22.1.
Variant type: single nucleotide variant.
Coding change: c.374C>A on transcript NM_006908.5 (MANE Select); coding-DNA position 374, C replaced by A.
Protein change: p.Thr125Lys; replaces threonine 125 with lysine.
Molecular consequence: missense variant.
Genome position (GRCh38, 1-based): chr7:6,401,953, C>A. VCF-style: chr7-6401953-C-A. GRCh37 (hg19) VCF-style: chr7-6441584-C-A.
Other names: c.431C>A, p.Thr144Lys (NM_018890.4); short protein forms T125K, T144K.
Identifiers: ClinVar variation 3375905 (VCV003375905.1).

ClinVar aggregate classification (germline): Uncertain significance (1 of 4 stars; one submission).

Submission:

GeneDx
Classification: Uncertain significance. Last evaluated: 2024-05-01. Review status: criteria provided, single submitter. Criteria: GeneDx Variant Classification Process June 2021. Collection method: clinical testing. Allele origin: germline. Affected: yes.
Comment: Not observed at significant frequency in large population cohorts (gnomAD); In silico analysis supports that this missense variant has a deleterious effect on protein structure/function; Has not been previously published as pathogenic or benign to our knowledge